The following is an entry in ClinVar:

NM_005522.5(HOXA1):c.87C>G (p.Pro29=)

Gene: HOXA1 (homeobox A1; minus strand). Cytogenetic location: 7p15.2.
Variant type: single nucleotide variant.
Coding change: c.87C>G on transcript NM_005522.5 (MANE Select); coding-DNA position 87, C replaced by G.
Protein change: p.Pro29=; no amino-acid change (proline 29 retained).
Molecular consequence: synonymous variant.
Genome position (GRCh38, 1-based): chr7:27,095,826, G>C on the plus strand (C>G on the coding strand, the complement: HOXA1 is on the minus strand). VCF-style: chr7-27095826-G-C. GRCh37 (hg19) VCF-style: chr7-27135445-G-C.
Other names: c.87C>G, p.Pro29= (NM_153620.3).
Identifiers: ClinVar variation 2657359 (VCV002657359.24), dbSNP rs370896322, ClinGen allele CA4196035.

ClinVar aggregate classification (germline): Likely benign (1 of 4 stars; one submission).

Allele frequency attached by ClinVar (database versions not stated): gnomAD 0.00003; TOPMed 0.00007; ESP Exome Variant Server 0.00008; gnomAD exomes 0.00008; ExAC 0.00010.
gnomAD v4.1: 118 of 1,614,044 alleles (0.0073%); highest among the groups gnomAD compares: South Asian, 0.029%; no homozygotes.

Submission:

CeGaT Center for Human Genetics Tuebingen
Classification: Likely benign. Last evaluated: 2026-09-01. Review status: criteria provided, single submitter. Criteria: CeGaT Center For Human Genetics Tuebingen Variant Classification Criteria Version 2. Collection method: clinical testing. Allele origin: germline. Affected: yes. Observed: 5 variant alleles.
Comment: HOXA1: BP4, BP7